The following is an entry in ClinVar:

NM_001257291.2(SLC9A7):c.1827C>T (p.Tyr609=)

Gene: SLC9A7 (solute carrier family 9 member A7; minus strand). Cytogenetic location: Xp11.3.
Variant type: single nucleotide variant.
Coding change: c.1827C>T on transcript NM_001257291.2 (MANE Select); coding-DNA position 1827, C replaced by T.
Protein change: p.Tyr609=; no amino-acid change (tyrosine 609 retained).
Molecular consequence: synonymous variant.
Genome position (GRCh38, 1-based): chrX:46,613,391, G>A on the plus strand (C>T on the coding strand, the complement: SLC9A7 is on the minus strand). VCF-style: chrX-46613391-G-A. GRCh37 (hg19) VCF-style: chrX-46472826-G-A.
Other names: c.1824C>T, p.Tyr608= (NM_032591.3); c.1827C>T (NM_001257291.1).
Identifiers: ClinVar variation 1333125 (VCV001333125.13), dbSNP rs3208940, ClinGen allele CA10393753.

ClinVar aggregate classification (germline): Benign. Review status: criteria provided, multiple submitters, no conflicts (2 of 4 stars). 4 submissions from 4 submitters: Benign (3). 1 of the submissions does not count toward it. Last evaluated 2026-02-02.

Conditions:
Intellectual developmental disorder, X-linked 108. Also called: MENTAL RETARDATION, X-LINKED 108. Identifiers: MedGen C5193009, MONDO:0026723, OMIM 301024.
SLC9A7-related disorder. Also called: SLC9A7-related condition.

Allele frequency attached by ClinVar (database versions not stated): gnomAD exomes 0.57691; ExAC 0.58571; ESP Exome Variant Server 0.62842; TOPMed 0.64078; 1000 Genomes Project 0.71841; 1000 Genomes Project 30x 0.72154.

Submissions (4):

Labcorp Genetics (formerly Invitae), Labcorp
Classification: Benign. Last evaluated: 2026-02-02. Review status: criteria provided, single submitter. Criteria: Invitae Variant Classification Sherloc (09022015). Collection method: clinical testing. Allele origin: germline.

Genome-Nilou Lab
Classification: Benign for Intellectual developmental disorder, X-linked 108. Last evaluated: 2021-07-15. Review status: criteria provided, single submitter. Criteria: ACMG Guidelines, 2015. Collection method: clinical testing. Allele origin: germline. Affected: no.

Breakthrough Genomics
Classification: Benign. Review status: criteria provided, single submitter. Criteria: ACMG Guidelines, 2015. Collection method: not provided. Allele origin: germline. Inheritance: X-linked inheritance. Affected: yes.

PreventionGenetics, part of Exact Sciences
Classification: Benign for SLC9A7-related condition. Last evaluated: 2019-10-30. Review status: no assertion criteria provided. Collection method: clinical testing. Allele origin: germline. Not counted in ClinVar's aggregate classification.
Comment: This variant is classified as benign based on ACMG/AMP sequence variant interpretation guidelines (Richards et al. 2015 PMID: 25741868, with internal and published modifications).